The following is an entry in ClinVar:

ClinVar aggregate classification (germline): Uncertain significance (1 of 4 stars; one submission).

Conditions:
Severe myoclonic epilepsy in infancy (DRVT). Also called: Epileptic encephalopathy, early infantile, 6 (Dravet syndrome); DEVELOPMENTAL AND EPILEPTIC ENCEPHALOPATHY 6A; Severe Myoclonic Epilepsy in Infancy (SMEI); SEVERE MYOCLONIC EPILEPSY OF INFANCY; Dravet syndrome. Identifiers: Orphanet 33069, MedGen C0751122, MONDO:0100135, OMIM 607208.

Allele frequency attached by ClinVar (database versions not stated): gnomAD exomes below 0.00001.
gnomAD v4.1: 1 of 1,612,826 alleles (0.000062%); highest among the groups gnomAD compares: Non-Finnish European, 0.000085%; no homozygotes.

Submission:

Baylor Genetics
Classification: Uncertain significance for Severe myoclonic epilepsy in infancy. Last evaluated: 2017-09-01. Review status: criteria provided, single submitter. Criteria: ACMG Guidelines, 2015. Collection method: clinical testing. Allele origin: de novo. Inheritance: Autosomal dominant inheritance. Affected: yes.

Literature cited by the submitters: PubMed 25326635.

NM_001165963.4(SCN1A):c.3512C>T (p.Pro1171Leu)

Genes: SCN1A (sodium voltage-gated channel alpha subunit 1; minus strand), LOC102724058 (uncharacterized LOC102724058; plus strand). Cytogenetic location: 2q24.3.
Variant type: single nucleotide variant.
Coding change: c.3512C>T on transcript NM_001165963.4 (MANE Select); coding-DNA position 3512, C replaced by T.
Protein change: p.Pro1171Leu; replaces proline 1171 with leucine.
Molecular consequence: missense variant. On other transcripts: non-coding transcript variant (2).
Genome position (GRCh38, 1-based): chr2:166,015,645, G>A on the plus strand (C>T on the coding strand, the complement: SCN1A is on the minus strand). VCF-style: chr2-166015645-G-A. GRCh37 (hg19) VCF-style: chr2-166872155-G-A.
Other names: c.3428C>T, p.Pro1143Leu (NM_001165964.3, NM_001353957.2, NM_001353958.2); c.3512C>T, p.Pro1171Leu (NM_001202435.3, NM_001353948.2); c.3479C>T, p.Pro1160Leu (NM_001353949.2, NM_001353950.2, NM_001353951.2 and 2 more transcripts); c.3476C>T, p.Pro1159Leu (NM_001353954.2, NM_001353955.2); c.3425C>T, p.Pro1142Leu (NM_001353960.2); c.1070C>T, p.Pro357Leu (NM_001353961.2); short protein forms P1160L, P1171L, P357L, P1142L, P1159L, P1143L.
Identifiers: ClinVar variation 561103 (VCV000561103.2), dbSNP rs1559152754, ClinGen allele CA349056665.